The following is an entry in ClinVar:

NM_173483.4(CYP4F22):c.429dup (p.Leu144fs)

Gene: CYP4F22 (cytochrome P450 family 4 subfamily F member 22; plus strand). Cytogenetic location: 19p13.12.
Variant type: Duplication.
Coding change: c.429dup on transcript NM_173483.4 (MANE Select); coding-DNA position 429, one base duplicated (G; older notation c.429dupG).
Protein change: p.Leu144fs; shifts the reading frame from leucine 144.
Molecular consequence: frameshift variant.
Genome position (GRCh38, 1-based): chr19:15,537,542, G duplicated; the last of 3 consecutive G bases (chr19:15,537,540-15,537,542); duplicating any one gives the same sequence. VCF-style (leftmost placement, unchanged base first): chr19-15537539-T-TG. GRCh37 (hg19) VCF-style: chr19-15648350-T-TG.
Other names: c.429dupG (NM_173483.3); short protein forms L144fs.
Identifiers: ClinVar variation 560333 (VCV000560333.4), dbSNP rs1382435790, ClinGen allele CA632129528.

ClinVar aggregate classification (germline): Pathogenic/Likely pathogenic. Review status: criteria provided, multiple submitters, no conflicts (2 of 4 stars). 3 submissions from 3 submitters: Pathogenic (1); Likely pathogenic (1). 1 of the submissions does not count toward it. Last evaluated 2023-07-24.

Conditions:
Autosomal recessive congenital ichthyosis 5 (ARCI5). Also called: Ichthyosis, nonlamellar and nonerythrodermic, congenital, autosomal recessive; ICHTHYOSIS CONGENITA III. Identifiers: Orphanet 313, MedGen C1858133, MONDO:0011485, OMIM 604777.
Lamellar ichthyosis. Identifiers: Orphanet 313, MedGen C5848247, MONDO:0017778.

Submissions (3):

Department of Pathology and Laboratory Medicine, Sinai Health System
Classification: Pathogenic for Autosomal recessive congenital ichthyosis 5. Last evaluated: 2023-07-24. Review status: criteria provided, single submitter. Criteria: ACMG Guidelines, 2015. Collection method: research. Allele origin: germline.

Women's Health and Genetics/Laboratory Corporation of America, LabCorp
Classification: Likely pathogenic for Lamellar ichthyosis. Last evaluated: 2023-03-15. Review status: criteria provided, single submitter. Criteria: LabCorp Variant Classification Summary - May 2015. Collection method: clinical testing. Allele origin: germline.
Comment: Variant summary: CYP4F22 c.429dupG (p.Leu144AlafsX7) results in a premature termination codon, predicted to cause a truncation of the encoded protein or absence of the protein due to nonsense mediated decay, which are commonly known mechanisms for disease. Truncations downstream of this position have been classified as pathogenic by our laboratory. The variant allele was found at a frequency of 8e-06 in 251400 control chromosomes. c.429dupG has been reported in the literature in a family affected with congenital ichthyosiform erythroderma (Israeli_2013), and they were reported as compound heterozygous with another likely pathogenic variant. This suggests the variant is likely to be pathogenic. To our knowledge, no experimental evidence demonstrating an impact on protein function has been reported. One submitter has provided a clinical-significance assessment for this variant to ClinVar after 2014 without evidence for independent evaluation, and classified the variant as pathogenic. Based on the evidence outlined above, the variant was classified as likely pathogenic.

Institute for Human Genetics, University Medical Center Freiburg
Classification: Pathogenic for Autosomal recessive congenital ichthyosis 5. Last evaluated: 2018-04-23. Review status: no assertion criteria provided. Collection method: clinical testing. Allele origin: germline. Affected: yes. Not counted in ClinVar's aggregate classification.

Literature cited by the submitters: PubMed 23621129 (cited by Women's Health and Genetics/Laboratory Corporation of America, LabCorp and Institute for Human Genetics, University Medical Center Freiburg).